The following is an entry in ClinVar:

ClinVar aggregate classification (germline): Likely benign (1 of 4 stars; one submission).

Allele frequency attached by ClinVar (database versions not stated): ESP Exome Variant Server 0.00161; 1000 Genomes Project 0.00200; 1000 Genomes Project 30x 0.00219.
gnomAD v4.1: 2,769 of 1,613,426 alleles (0.17%); highest among the groups gnomAD compares: Middle Eastern, 1.9%; 21 homozygotes.

Submission:

CeGaT Center for Human Genetics Tuebingen
Classification: Likely benign. Last evaluated: 2023-02-01. Review status: criteria provided, single submitter. Criteria: CeGaT Center For Human Genetics Tuebingen Variant Classification Criteria Version 2. Collection method: clinical testing. Allele origin: germline. Affected: yes. Observed: 1 variant allele.
Comment: SH2D3C: BP4, BS2

NM_170600.3(SH2D3C):c.1159C>G (p.Arg387Gly)

Gene: SH2D3C (SH2 domain containing 3C; minus strand). Cytogenetic location: 9q34.11.
Variant type: single nucleotide variant.
Coding change: c.1159C>G on transcript NM_170600.3 (MANE Select); coding-DNA position 1159, C replaced by G.
Protein change: p.Arg387Gly; replaces arginine 387 with glycine.
Molecular consequence: missense variant.
Genome position (GRCh38, 1-based): chr9:127,747,252, G>C on the plus strand (C>G on the coding strand, the complement: SH2D3C is on the minus strand). VCF-style: chr9-127747252-G-C. GRCh37 (hg19) VCF-style: chr9-130509531-G-C.
Other names: c.97C>G, p.Arg33Gly (NM_001142531.1, NM_001142532.1); c.685C>G, p.Arg229Gly (NM_001142533.1); c.679C>G, p.Arg227Gly (NM_001142534.1); c.955C>G, p.Arg319Gly (NM_001252334.2); c.688C>G, p.Arg230Gly (NM_005489.4); short protein forms R227G, R229G, R230G, R319G, R33G, R387G.
Identifiers: ClinVar variation 2659513 (VCV002659513.24), dbSNP rs61761895, ClinGen allele CA5251127.
Genomic context (GRCh38, chr9:127,747,252, plus strand): 5'-TGGGTGAGTGCAGGTCTGGGATCTGGTCCATGCTGAGGGCACAGCTGCGGATGGAGTCCC[G>C]AGGGCGGGGCAGCGACGTACTGTGGAGCAGACACCATCATGGGCAGGGAGCCCGGAGGTC-3'
Protein context (NP_733745.1, residues 377-397): CPTSTSLPRP[Arg387Gly]DSIRSCALSM